The following is an entry in ClinVar:

NM_001298.3(CNGA3):c.1537G>T (p.Gly513Ter)

Gene: CNGA3 (cyclic nucleotide gated channel subunit alpha 3; plus strand). Cytogenetic location: 2q11.2.
Variant type: single nucleotide variant.
Coding change: c.1537G>T on transcript NM_001298.3 (MANE Select); coding-DNA position 1537, G replaced by T.
Protein change: p.Gly513Ter; replaces glycine 513 with a stop codon.
Molecular consequence: nonsense.
Genome position (GRCh38, 1-based): chr2:98,396,707, G>T. VCF-style: chr2-98396707-G-T. GRCh37 (hg19) VCF-style: chr2-99013170-G-T.
Other names: c.1483G>T, p.Gly495Ter (NM_001079878.2); short protein forms G495*, G513*.
Identifiers: ClinVar variation 3646370 (VCV003646370.3).

ClinVar aggregate classification (germline): Pathogenic/Likely pathogenic. Review status: criteria provided, multiple submitters, no conflicts (2 of 4 stars). 2 submissions from 2 submitters: Pathogenic (1); Likely pathogenic (1). Last evaluated 2024-03-16.

Conditions:
CNGA3-related disorders.

Submissions (2):

Labcorp Genetics (formerly Invitae), Labcorp
Classification: Pathogenic. Last evaluated: 2024-03-16. Review status: criteria provided, single submitter. Criteria: Invitae Variant Classification Sherloc (09022015). Collection method: clinical testing. Allele origin: germline.
Comment: This sequence change creates a premature translational stop signal (p.Gly513*) in the CNGA3 gene. While this is not anticipated to result in nonsense mediated decay, it is expected to disrupt the last 182 amino acid(s) of the CNGA3 protein. This variant is not present in population databases (gnomAD no frequency). This variant has not been reported in the literature in individuals affected with CNGA3-related conditions. This variant disrupts a region of the CNGA3 protein in which other variant(s) (p.Leu527Arg) have been determined to be pathogenic (PMID: 21911670, 30682209). This suggests that this is a clinically significant region of the protein, and that variants that disrupt it are likely to be disease-causing. For these reasons, this variant has been classified as Pathogenic.

Blueprint Genetics
Classification: Likely pathogenic for CNGA3-related disorders. Last evaluated: 2023-05-08. Review status: criteria provided, single submitter. Criteria: ACMG Guidelines, 2015. Collection method: clinical testing. Allele origin: germline. Affected: yes. Observed: 1 variant allele.

Literature cited by the submitters: PubMed 21911670 (cited by Labcorp Genetics (formerly Invitae), Labcorp); PubMed 30682209 (cited by Labcorp Genetics (formerly Invitae), Labcorp).